The following is an entry in ClinVar:

ClinVar aggregate classification (germline): Uncertain significance (1 of 4 stars; one submission).

Submission:

Labcorp Genetics (formerly Invitae), Labcorp
Classification: Uncertain significance. Last evaluated: 2024-06-26. Review status: criteria provided, single submitter. Criteria: Invitae Variant Classification Sherloc (09022015). Collection method: clinical testing. Allele origin: germline.
Comment: This sequence change replaces arginine, which is basic and polar, with tryptophan, which is neutral and slightly polar, at codon 419 of the MTMR14 protein (p.Arg419Trp). This variant is not present in population databases (gnomAD no frequency). This variant has not been reported in the literature in individuals affected with MTMR14-related conditions. Advanced modeling of protein sequence and biophysical properties (such as structural, functional, and spatial information, amino acid conservation, physicochemical variation, residue mobility, and thermodynamic stability) performed at Invitae indicates that this missense variant is not expected to disrupt MTMR14 protein function with a negative predictive value of 80%. In summary, the available evidence is currently insufficient to determine the role of this variant in disease. Therefore, it has been classified as a Variant of Uncertain Significance.

NM_001077525.3(MTMR14):c.1255C>T (p.Arg419Trp)

Gene: MTMR14 (myotubularin related protein 14; plus strand). Cytogenetic location: 3p25.3.
Variant type: single nucleotide variant.
Coding change: c.1255C>T on transcript NM_001077525.3 (MANE Select); coding-DNA position 1255, C replaced by T.
Protein change: p.Arg419Trp; replaces arginine 419 with tryptophan.
Molecular consequence: missense variant. On other transcripts: non-coding transcript variant (9).
Genome position (GRCh38, 1-based): chr3:9,688,715, C>T. VCF-style: chr3-9688715-C-T. GRCh37 (hg19) VCF-style: chr3-9730399-C-T.
Other names: c.1009C>T, p.Arg337Trp (NM_001400524.1, NM_001400527.1, NM_001400530.1); c.973C>T, p.Arg325Trp (NM_001400525.1, NM_001400529.1, NM_001400532.1); c.1249C>T, p.Arg417Trp (NM_001400526.1); c.1180C>T, p.Arg394Trp (NM_001400528.1, NM_001400520.1, NM_001400523.1); c.1006C>T, p.Arg336Trp (NM_001400531.1); c.613C>T, p.Arg205Trp (NM_001400533.1, NM_001400534.1, NM_001400535.1 and 7 more transcripts); c.934C>T, p.Arg312Trp (NM_001400536.1); c.898C>T, p.Arg300Trp (NM_001400537.1); and 5 more; short protein forms R325W, R394W, R419W, R442W, R205W, R417W, R180W, R300W.
Identifiers: ClinVar variation 3630080 (VCV003630080.2).
Genomic context (GRCh38, chr3:9,688,715, plus strand): 5'-CAGATAGATCTGGAATTTACTGCTCCGGCTTCCATTTCTAGGAGGAAGAGTTTGCCAGCC[C>T]GGGATGGAGGCTTCACCCTGGAAGACATCTGCATGCTGAGTGAGTCCTGGGCCCCAACAG-3'
Protein context (NP_001070993.1, residues 409-429): KTQRRKSLPA[Arg419Trp]DGGFTLEDIC